The following is an entry in ClinVar:

ClinVar aggregate classification (germline): Likely benign (0 of 4 stars; one submission).

Conditions:
WDFY3-related disorder.

Allele frequency attached by ClinVar (database versions not stated): TOPMed below 0.00001; gnomAD exomes 0.00001.
gnomAD v4.1: 13 of 1,613,662 alleles (0.00081%); highest among the groups gnomAD compares: African/African-American, 0.015%; no homozygotes.

Submission:

PreventionGenetics, part of Exact Sciences
Classification: Likely benign for WDFY3-related condition. Last evaluated: 2019-06-19. Review status: no assertion criteria provided. Collection method: clinical testing. Allele origin: germline.
Comment: This variant is classified as likely benign based on ACMG/AMP sequence variant interpretation guidelines (Richards et al. 2015 PMID: 25741868, with internal and published modifications).

NM_014991.6(WDFY3):c.8613C>T (p.Gly2871=)

Gene: WDFY3 (WD repeat and FYVE domain containing 3; minus strand). Cytogenetic location: 4q21.23.
Variant type: single nucleotide variant.
Coding change: c.8613C>T on transcript NM_014991.6 (MANE Select); coding-DNA position 8613, C replaced by T.
Protein change: p.Gly2871=; no amino-acid change (glycine 2871 retained).
Molecular consequence: synonymous variant.
Genome position (GRCh38, 1-based): chr4:84,696,807, G>A on the plus strand (C>T on the coding strand, the complement: WDFY3 is on the minus strand). VCF-style: chr4-84696807-G-A. GRCh37 (hg19) VCF-style: chr4-85617960-G-A.
Identifiers: ClinVar variation 3043368 (VCV003043368.2), dbSNP rs1419210081, ClinGen allele CA440132145.